The following is an entry in ClinVar:

NM_006019.4(TCIRG1):c.2396A>G (p.His799Arg)

Gene: TCIRG1 (T cell immune regulator 1, ATPase H+ transporting V0 subunit a3; plus strand). Cytogenetic location: 11q13.2.
Variant type: single nucleotide variant.
Coding change: c.2396A>G on transcript NM_006019.4 (MANE Select); coding-DNA position 2396, A replaced by G.
Protein change: p.His799Arg; replaces histidine 799 with arginine.
Molecular consequence: missense variant.
Genome position (GRCh38, 1-based): chr11:68,050,646, A>G. VCF-style: chr11-68050646-A-G. GRCh37 (hg19) VCF-style: chr11-67818113-A-G.
Other names: c.1502A>G, p.His501Arg (NM_001351059.2); c.1748A>G, p.His583Arg (NM_006053.4); short protein forms H583R, H799R, H501R.
Identifiers: ClinVar variation 3699000 (VCV003699000.2).

ClinVar aggregate classification (germline): Uncertain significance (1 of 4 stars; one submission).

Submission:

Labcorp Genetics (formerly Invitae), Labcorp
Classification: Uncertain significance. Last evaluated: 2024-12-18. Review status: criteria provided, single submitter. Criteria: Invitae Variant Classification Sherloc (09022015). Collection method: clinical testing. Allele origin: germline.
Comment: This sequence change replaces histidine, which is basic and polar, with arginine, which is basic and polar, at codon 799 of the TCIRG1 protein (p.His799Arg). This variant is not present in population databases (gnomAD no frequency). This variant has not been reported in the literature in individuals affected with TCIRG1-related conditions. Invitae Evidence Modeling of protein sequence and biophysical properties (such as structural, functional, and spatial information, amino acid conservation, physicochemical variation, residue mobility, and thermodynamic stability) indicates that this missense variant is expected to disrupt TCIRG1 protein function with a positive predictive value of 80%. In summary, the available evidence is currently insufficient to determine the role of this variant in disease. Therefore, it has been classified as a Variant of Uncertain Significance.